The following is an entry in ClinVar:

NM_198859.4(PRICKLE2):c.1328G>A (p.Gly443Asp)

Gene: PRICKLE2 (prickle planar cell polarity protein 2; minus strand). Cytogenetic location: 3p14.1.
Variant type: single nucleotide variant.
Coding change: c.1328G>A on transcript NM_198859.4 (MANE Select); coding-DNA position 1328, G replaced by A.
Protein change: p.Gly443Asp; replaces glycine 443 with aspartic acid.
Molecular consequence: missense variant.
Genome position (GRCh38, 1-based): chr3:64,147,162, C>T on the plus strand (G>A on the coding strand, the complement: PRICKLE2 is on the minus strand). VCF-style: chr3-64147162-C-T. GRCh37 (hg19) VCF-style: chr3-64132838-C-T.
Other names: c.1328G>A, p.Gly443Asp (NM_001370528.1); short protein forms G443D.
Identifiers: ClinVar variation 2161702 (VCV002161702.4), dbSNP rs370412590, ClinGen allele CA2479649.

ClinVar aggregate classification (germline): Uncertain significance (1 of 4 stars; one submission).

Conditions:
Progressive myoclonic epilepsy type 5. Identifiers: Orphanet 402082, MedGen C5190799.

Allele frequency attached by ClinVar (database versions not stated): ExAC 0.00001; gnomAD 0.00001; gnomAD exomes 0.00001; TOPMed 0.00002; ESP Exome Variant Server 0.00008.
gnomAD v4.1: 4 of 1,613,984 alleles (0.00025%); highest among the groups gnomAD compares: Admixed American, 0.0033%; no homozygotes.

Submission:

Labcorp Genetics (formerly Invitae), Labcorp
Classification: Uncertain significance for Progressive myoclonic epilepsy type 5. Last evaluated: 2022-08-19. Review status: criteria provided, single submitter. Criteria: Invitae Variant Classification Sherloc (09022015). Collection method: clinical testing. Allele origin: germline.
Comment: This variant is present in population databases (rs370412590, gnomAD 0.003%). In summary, the available evidence is currently insufficient to determine the role of this variant in disease. Therefore, it has been classified as a Variant of Uncertain Significance. Algorithms developed to predict the effect of missense changes on protein structure and function are either unavailable or do not agree on the potential impact of this missense change (SIFT: "Deleterious"; PolyPhen-2: "Benign"; Align-GVGD: "Class C15"). This variant has not been reported in the literature in individuals affected with PRICKLE2-related conditions. This sequence change replaces glycine, which is neutral and non-polar, with aspartic acid, which is acidic and polar, at codon 443 of the PRICKLE2 protein (p.Gly443Asp).